The following is an entry in ClinVar:

ClinVar aggregate classification (germline): Likely pathogenic (1 of 4 stars; one submission).

Conditions:
Snijders Blok-Campeau syndrome. Also called: INTELLECTUAL DEVELOPMENTAL DISORDER WITH MACROCEPHALY, SPEECH DELAY, AND DYSMORPHIC FACIES. Identifiers: Orphanet 599082, MedGen C4748701, MONDO:0032600, OMIM 618205.

Submission:

Women's Health and Genetics/Laboratory Corporation of America, LabCorp
Classification: Likely pathogenic for Snijders Blok-Campeau syndrome. Last evaluated: 2025-02-11. Review status: criteria provided, single submitter. Criteria: LabCorp Variant Classification Summary - May 2015. Collection method: clinical testing. Allele origin: germline.
Comment: Variant summary: CHD3 c.2343+2T>C is located in a canonical splice-site and is predicted to affect mRNA splicing resulting in a significantly altered protein due to either exon skipping, shortening, or inclusion of intronic material. Variants that disrupt the consensus splice site are a relatively common cause of aberrant splicing and loss of CHD3 function. Several computational tools predict a significant impact on normal splicing: Two predict the variant abolishes a canonical 5' splicing donor site. However, these predictions have yet to be confirmed by functional studies. The variant was absent in 250412 control chromosomes. To our knowledge, no occurrence of c.2343+2T>C in individuals affected with Snijders Blok-Campeau Syndrome and no experimental evidence demonstrating its impact on protein function have been reported. No submitters have cited clinical-significance assessments for this variant to ClinVar. Based on the evidence outlined above, the variant was classified as likely pathogenic.

NM_001005273.3(CHD3):c.2343+2T>C

Gene: CHD3 (chromodomain helicase DNA binding protein 3; plus strand). Cytogenetic location: 17p13.1.
Variant type: single nucleotide variant.
Coding change: c.2343+2T>C on transcript NM_001005273.3 (MANE Select); the canonical splice donor site of the intron after coding-DNA position 2343, T replaced by C.
Molecular consequence: splice donor variant.
Genome position (GRCh38, 1-based): chr17:7,899,204, T>C. VCF-style: chr17-7899204-T-C. GRCh37 (hg19) VCF-style: chr17-7802522-T-C.
Other names: c.2520+2T>C (NM_001005271.3); c.2343+2T>C (NM_005852.4).
Identifiers: ClinVar variation 3768595 (VCV003768595.1).
Genomic context (GRCh38, chr17:7,899,204, plus strand): 5'-AGATGGGGCTAGGCAAGACCATACAAACCATCGTCTTCCTCTACTCACTCTACAAGGAGG[T>C]GCTGGATTCTAGGACCTTGAAGGGGACCGCCTGGACTGGGGAAGTGGGGAGGGGGAAGAT-3'